The following is an entry in ClinVar:

ClinVar aggregate classification (germline): Conflicting classifications of pathogenicity. Review status: criteria provided, conflicting classifications (1 of 4 stars). 5 submissions from 5 submitters: Uncertain significance (3); Likely benign (2). Last evaluated 2026-06-25.

Conditions:
ALPK3-related disorder. Also called: ALPK3-related condition.
Cardiovascular phenotype. Identifiers: MedGen CN230736.

Allele frequency attached by ClinVar (database versions not stated): ExAC 0.00001; gnomAD 0.00005 and 0.00006.
gnomAD v4.1: 36 of 1,611,174 alleles (0.0022%); highest among the groups gnomAD compares: Non-Finnish European, 0.0023%; no homozygotes.

Submissions (5):

PreventionGenetics, part of Exact Sciences
Classification: Uncertain significance for ALPK3-related condition. Last evaluated: 2026-06-25. Review status: criteria provided, single submitter. Criteria: ACMG Guidelines, 2015. Collection method: clinical testing. Allele origin: germline.
Comment: The ALPK3 c.2222C>T variant is predicted to result in the amino acid substitution p.Thr741Met. To our knowledge, this variant has not been reported in the literature. This variant is reported in 0.0032% of alleles in individuals of European (Non-Finnish) descent in gnomAD. At this time, the clinical significance of this variant is uncertain due to the absence of conclusive functional and genetic evidence.

Labcorp Genetics (formerly Invitae), Labcorp
Classification: Uncertain significance. Last evaluated: 2026-01-11. Review status: criteria provided, single submitter. Criteria: Invitae Variant Classification Sherloc (09022015). Collection method: clinical testing. Allele origin: germline.
Comment: This sequence change replaces threonine, which is neutral and polar, with methionine, which is neutral and non-polar, at codon 741 of the ALPK3 protein (p.Thr741Met). This variant is present in population databases (rs750057517, gnomAD 0.003%). This variant has not been reported in the literature in individuals affected with ALPK3-related conditions. ClinVar contains an entry for this variant (Variation ID: 1447742). Invitae Evidence Modeling of protein sequence and biophysical properties (such as structural, functional, and spatial information, amino acid conservation, physicochemical variation, residue mobility, and thermodynamic stability) indicates that this missense variant is not expected to disrupt ALPK3 protein function with a negative predictive value of 80%. In summary, the available evidence is currently insufficient to determine the role of this variant in disease. Therefore, it has been classified as a Variant of Uncertain Significance.

Blueprint Genetics
Classification: Likely benign. Last evaluated: 2024-10-23. Review status: criteria provided, single submitter. Criteria: ACMG Guidelines, 2015. Collection method: clinical testing. Allele origin: germline.

Ambry Genetics
Classification: Likely benign for Cardiovascular phenotype. Last evaluated: 2023-11-18. Review status: criteria provided, single submitter. Criteria: Ambry Variant Classification Scheme 2023. Collection method: clinical testing. Allele origin: germline.

GeneDx
Classification: Uncertain significance. Last evaluated: 2022-10-20. Review status: criteria provided, single submitter. Criteria: GeneDx Variant Classification Process June 2021. Collection method: clinical testing. Allele origin: germline. Affected: yes.
Comment: Has not been previously published as pathogenic or benign to our knowledge; Not observed at significant frequency in large population cohorts (gnomAD); In silico analysis supports that this missense variant does not alter protein structure/function

NM_020778.5(ALPK3):c.1616C>T (p.Thr539Met)

Genes: ALPK3 (alpha kinase 3; plus strand), LOC111718493 (skeletal muscle cis-regulatory module overlapping ALPK3; plus strand). Cytogenetic location: 15q25.3.
Variant type: single nucleotide variant.
Coding change: c.1616C>T on transcript NM_020778.5 (MANE Select); coding-DNA position 1616, C replaced by T.
Protein change: p.Thr539Met; replaces threonine 539 with methionine.
Molecular consequence: missense variant.
Genome position (GRCh38, 1-based): chr15:84,840,895, C>T. VCF-style: chr15-84840895-C-T. GRCh37 (hg19) VCF-style: chr15-85384126-C-T.
Other names: short protein forms T539M.
Identifiers: ClinVar variation 1447742 (VCV001447742.10), dbSNP rs750057517, ClinGen allele CA7709235.